The following is an entry in ClinVar:

NC_000011.9:g.(?_108150212)_(108216641_?)del

Gene: ATM (ATM serine/threonine kinase; plus strand). Cytogenetic location: 11q22.3.
Variant type: Deletion.
Identifiers: ClinVar variation 453338 (VCV000453338.8).

ClinVar aggregate classification (germline): Pathogenic (1 of 4 stars; one submission).

Conditions:
Ataxia-telangiectasia syndrome (AT). Also called: Cerebello-oculocutaneous telangiectasia; Immunodeficiency with ataxia telangiectasia; Ataxia-telangiectasia, complementation group D; AT, COMPLEMENTATION GROUP C; Ataxia-telangiectasia, complementation group E; LOUIS-BAR SYNDROME. Identifiers: Orphanet 100, MedGen C0004135, MONDO:0008840, OMIM 208900.

Submission:

Labcorp Genetics (formerly Invitae), Labcorp
Classification: Pathogenic for Ataxia-telangiectasia syndrome. Last evaluated: 2022-02-19. Review status: criteria provided, single submitter. Criteria: Invitae Variant Classification Sherloc (09022015). Collection method: clinical testing. Allele origin: germline.
Comment: For these reasons, this variant has been classified as Pathogenic. This variant has not been reported in the literature in individuals affected with ATM-related conditions. This variant is a gross deletion of the genomic region encompassing exon(s) 23-58 of the ATM gene. This deletion is out-of-frame, and is expected to create a premature termination codon and result in an absent or disrupted protein product. Loss-of-function variants in ATM are known to be pathogenic (PMID: 23807571, 25614872).

Literature cited by the submitters: PubMed 23807571; PubMed 25614872.